The following is an entry in ClinVar:

ClinVar aggregate classification (germline): Uncertain significance. Review status: criteria provided, multiple submitters, no conflicts (2 of 4 stars). 2 submissions from 2 submitters: Uncertain significance (2). Last evaluated 2025-04-05.

Conditions:
Hereditary cancer-predisposing syndrome. Also called: Neoplastic Syndromes, Hereditary; Hereditary neoplastic syndrome; Tumor predisposition; Hereditary Cancer Syndrome. Identifiers: Orphanet 140162, MedGen C0027672, MeSH D009386, MONDO:0015356.

Submissions (2):

Ambry Genetics
Classification: Uncertain significance for Hereditary cancer-predisposing syndrome. Last evaluated: 2025-04-05. Review status: criteria provided, single submitter. Criteria: Ambry Variant Classification Scheme 2023. Collection method: clinical testing. Allele origin: germline.
Comment: The p.I2257M variant (also known as c.6771A>G), located in coding exon 49 of the POLE gene, results from an A to G substitution at nucleotide position 6771. The isoleucine at codon 2257 is replaced by methionine, an amino acid with highly similar properties. This amino acid position is conserved. In addition, this alteration is predicted to be tolerated by in silico analysis. Since supporting evidence is limited at this time, the clinical significance of this alteration remains unclear.

Labcorp Genetics (formerly Invitae), Labcorp
Classification: Uncertain significance. Last evaluated: 2024-06-26. Review status: criteria provided, single submitter. Criteria: Invitae Variant Classification Sherloc (09022015). Collection method: clinical testing. Allele origin: germline.
Comment: This sequence change replaces isoleucine, which is neutral and non-polar, with methionine, which is neutral and non-polar, at codon 2257 of the POLE protein (p.Ile2257Met). This variant is not present in population databases (gnomAD no frequency). This variant has not been reported in the literature in individuals affected with POLE-related conditions. ClinVar contains an entry for this variant (Variation ID: 2496844). Advanced modeling of protein sequence and biophysical properties (such as structural, functional, and spatial information, amino acid conservation, physicochemical variation, residue mobility, and thermodynamic stability) performed at Invitae indicates that this missense variant is not expected to disrupt POLE protein function with a negative predictive value of 80%. In summary, the available evidence is currently insufficient to determine the role of this variant in disease. Therefore, it has been classified as a Variant of Uncertain Significance.

NM_006231.4(POLE):c.6771A>G (p.Ile2257Met)

Gene: POLE (DNA polymerase epsilon, catalytic subunit; minus strand). Cytogenetic location: 12q24.33.
Variant type: single nucleotide variant.
Coding change: c.6771A>G on transcript NM_006231.4 (MANE Select); coding-DNA position 6771, A replaced by G.
Protein change: p.Ile2257Met; replaces isoleucine 2257 with methionine.
Molecular consequence: missense variant.
Genome position (GRCh38, 1-based): chr12:132,624,787, T>C on the plus strand (A>G on the coding strand, the complement: POLE is on the minus strand). VCF-style: chr12-132624787-T-C. GRCh37 (hg19) VCF-style: chr12-133201373-T-C.
Other names: short protein forms I2257M.
Identifiers: ClinVar variation 2496844 (VCV002496844.6), dbSNP rs2138422045, ClinGen allele CA387365849.